The following is an entry in ClinVar:

ClinVar aggregate classification (germline): Likely benign. Review status: criteria provided, multiple submitters, no conflicts (2 of 4 stars). 3 submissions from 3 submitters: Likely benign (3). Last evaluated 2025-12-06.

Conditions:
Hereditary cancer-predisposing syndrome. Also called: Neoplastic Syndromes, Hereditary; Tumor predisposition; Hereditary neoplastic syndrome; Hereditary Cancer Syndrome. Identifiers: Orphanet 140162, MedGen C0027672, MeSH D009386, MONDO:0015356.
Neuroblastoma, susceptibility to, 3. Also called: ALK-Related Neuroblastic Tumor Susceptibility. Identifiers: Orphanet 635, MedGen C2751681, MONDO:0013083, OMIM 613014.

Allele frequency attached by ClinVar (database versions not stated): TOPMed below 0.00001; gnomAD 0.00002.
gnomAD v4.1: 20 of 1,613,346 alleles (0.0012%); highest among the groups gnomAD compares: South Asian, 0.0055%; no homozygotes.

Submissions (3):

Labcorp Genetics (formerly Invitae), Labcorp
Classification: Likely benign for Neuroblastoma, susceptibility to, 3. Last evaluated: 2025-12-06. Review status: criteria provided, single submitter. Criteria: Invitae Variant Classification Sherloc (09022015). Collection method: clinical testing. Allele origin: germline.

CeGaT Center for Human Genetics Tuebingen
Classification: Likely benign. Last evaluated: 2025-08-01. Review status: criteria provided, single submitter. Criteria: CeGaT Center For Human Genetics Tuebingen Variant Classification Criteria Version 2. Collection method: clinical testing. Allele origin: germline. Affected: yes. Observed: 1 variant allele.
Comment: ALK: BP4, BP7

Ambry Genetics
Classification: Likely benign for Hereditary cancer-predisposing syndrome. Last evaluated: 2022-02-12. Review status: criteria provided, single submitter. Criteria: Ambry Variant Classification Scheme 2023. Collection method: clinical testing. Allele origin: germline.

NM_004304.5(ALK):c.2211G>A (p.Ser737=)

Gene: ALK (ALK receptor tyrosine kinase; minus strand). Cytogenetic location: 2p23.2.
Variant type: single nucleotide variant.
Coding change: c.2211G>A on transcript NM_004304.5 (MANE Select); coding-DNA position 2211, G replaced by A.
Protein change: p.Ser737=; no amino-acid change (serine 737 retained).
Molecular consequence: synonymous variant.
Genome position (GRCh38, 1-based): chr2:29,239,824, C>T on the plus strand (G>A on the coding strand, the complement: ALK is on the minus strand). VCF-style: chr2-29239824-C-T. GRCh37 (hg19) VCF-style: chr2-29462690-C-T.
Identifiers: ClinVar variation 1101734 (VCV001101734.19), dbSNP rs755251302, ClinGen allele CA44643020.